The following is an entry in ClinVar:

ClinVar aggregate classification (germline): Likely benign. Review status: criteria provided, multiple submitters, no conflicts (2 of 4 stars). 2 submissions from 2 submitters: Likely benign (2). Last evaluated 2023-02-24.

Conditions:
Malignant hyperthermia, susceptibility to, 1 (MHS1). Also called: RYR1-Related Malignant Hyperthermia Susceptibility; Anesthesia related hyperthermia; Malignant hyperpyrexia; Fulminating hyperpyrexia; Pharmacogenic myopathy; Malignant hyperthermia suceptibility 1. Identifiers: Orphanet 423, MedGen C2930980, MONDO:0007783, OMIM 145600.
RYR1-related disorder. Also called: RYR1-related disorders; RYR1-related condition. Identifiers: MedGen CN239331.

Allele frequency attached by ClinVar (database versions not stated): gnomAD exomes below 0.00001.
gnomAD v4.1: 1 of 1,613,948 alleles (0.000062%); highest among the groups gnomAD compares: South Asian, 0.0011%; no homozygotes.

Submissions (2):

All of Us Research Program, National Institutes of Health
Classification: Likely benign for Malignant hyperthermia, susceptibility to, 1. Last evaluated: 2023-02-24. Review status: criteria provided, single submitter. Criteria: ACMG Guidelines, 2015. Collection method: clinical testing. Allele origin: germline. Inheritance: Autosomal dominant inheritance. Observed: 1 variant allele, 1 heterozygote.
Comment: This study involves interpretation of variants in research participants for the purpose of population health screening. Participant phenotype was not available at the time of variant classification. Additional details can be found in publication PMID: 35346344, PMCID: PMC8962531

Labcorp Genetics (formerly Invitae), Labcorp
Classification: Likely benign for RYR1-related disorder. Last evaluated: 2022-10-07. Review status: criteria provided, single submitter. Criteria: Invitae Variant Classification Sherloc (09022015). Collection method: clinical testing. Allele origin: germline.

NM_000540.3(RYR1):c.8736G>C (p.Thr2912=)

Gene: RYR1 (ryanodine receptor 1; plus strand). Cytogenetic location: 19q13.2.
Variant type: single nucleotide variant.
Coding change: c.8736G>C on transcript NM_000540.3 (MANE Select); coding-DNA position 8736, G replaced by C.
Protein change: p.Thr2912=; no amino-acid change (threonine 2912 retained).
Molecular consequence: synonymous variant.
Genome position (GRCh38, 1-based): chr19:38,506,872, G>C. VCF-style: chr19-38506872-G-C. GRCh37 (hg19) VCF-style: chr19-38997512-G-C.
Other names: c.8736G>C, p.Thr2912= (NM_001042723.2).
Identifiers: ClinVar variation 2084902 (VCV002084902.5), dbSNP rs762179811, ClinGen allele CA072668.
Genomic context (GRCh38, chr19:38,506,872, plus strand): 5'-GGTCTTTGCCTCCCCAGGCGGTGGGACCCACCCCCTGCTGGTCCCCTACGACACGCTCAC[G>C]GCCAAGGAGAAGGCACGAGATCGAGAGAAGGCCCAGGAGCTACTGAAATTCCTGCAGATG-3'
Protein context (NP_000531.2, residues 2902-2922): HPLLVPYDTL[Thr2912=]AKEKARDREK